The following is an entry in ClinVar:

NM_001261826.3(AP3D1):c.147G>C (p.Gln49His)

Gene: AP3D1 (adaptor related protein complex 3 subunit delta 1; minus strand). Cytogenetic location: 19p13.3.
Variant type: single nucleotide variant.
Coding change: c.147G>C on transcript NM_001261826.3 (MANE Select); coding-DNA position 147, G replaced by C.
Protein change: p.Gln49His; replaces glutamine 49 with histidine.
Molecular consequence: missense variant.
Genome position (GRCh38, 1-based): chr19:2,138,664, C>G on the plus strand (G>C on the coding strand, the complement: AP3D1 is on the minus strand). VCF-style: chr19-2138664-C-G. GRCh37 (hg19) VCF-style: chr19-2138663-C-G.
Other names: c.147G>C, p.Gln49His (NM_001374799.1, NM_003938.8); short protein forms Q49H.
Identifiers: ClinVar variation 3647472 (VCV003647472.2).

ClinVar aggregate classification (germline): Uncertain significance (1 of 4 stars; one submission).

Submission:

Labcorp Genetics (formerly Invitae), Labcorp
Classification: Uncertain significance. Last evaluated: 2024-03-24. Review status: criteria provided, single submitter. Criteria: Invitae Variant Classification Sherloc (09022015). Collection method: clinical testing. Allele origin: germline.
Comment: This sequence change replaces glutamine, which is neutral and polar, with histidine, which is basic and polar, at codon 49 of the AP3D1 protein (p.Gln49His). This variant is not present in population databases (gnomAD no frequency). This variant has not been reported in the literature in individuals affected with AP3D1-related conditions. An algorithm developed to predict the effect of missense changes on protein structure and function (PolyPhen-2) suggests that this variant is likely to be disruptive. In summary, the available evidence is currently insufficient to determine the role of this variant in disease. Therefore, it has been classified as a Variant of Uncertain Significance.